The following is an entry in ClinVar:

ClinVar aggregate classification (germline): Uncertain significance (1 of 4 stars; one submission).

Conditions:
Ullrich congenital muscular dystrophy 2 (UCMD2). Identifiers: Orphanet 75840, MedGen C4225314, MONDO:0014654, OMIM 616470.
Bethlem myopathy 2 (BTHLM2). Identifiers: Orphanet 536516, Orphanet 610, MedGen C4225313, MONDO:0034022, OMIM 616471.

Allele frequency attached by ClinVar (database versions not stated): TOPMed below 0.00001; gnomAD exomes 0.00001; gnomAD 0.00003.

Submission:

Labcorp Genetics (formerly Invitae), Labcorp
Classification: Uncertain significance for Bethlem myopathy 2; Ullrich congenital muscular dystrophy 2. Last evaluated: 2018-02-12. Review status: criteria provided, single submitter. Criteria: Invitae Variant Classification Sherloc (09022015). Collection method: clinical testing. Allele origin: germline.
Comment: In summary, the available evidence is currently insufficient to determine the role of this variant in disease. Therefore, it has been classified as a Variant of Uncertain Significance. Algorithms developed to predict the effect of sequence changes on RNA splicing suggest that this variant may create or strengthen a splice site, but this prediction has not been confirmed by published transcriptional studies. Algorithms developed to predict the effect of missense changes on protein structure and function do not agree on the potential impact of this missense change (SIFT: "Deleterious"; PolyPhen-2: "Benign"; Align-GVGD: "Class C0"). This variant has not been reported in the literature in individuals with COL12A1-related disease. This variant is not present in population databases (ExAC no frequency). This sequence change replaces methionine with valine at codon 1012 of the COL12A1 protein (p.Met1012Val). The methionine residue is moderately conserved and there is a small physicochemical difference between methionine and valine.

NM_004370.6(COL12A1):c.3034A>G (p.Met1012Val)

Gene: COL12A1 (collagen type XII alpha 1 chain; minus strand). Cytogenetic location: 6q13.
Variant type: single nucleotide variant.
Coding change: c.3034A>G on transcript NM_004370.6 (MANE Select); coding-DNA position 3034, A replaced by G.
Protein change: p.Met1012Val; replaces methionine 1012 with valine.
Molecular consequence: missense variant. On other transcripts: intron variant (1).
Genome position (GRCh38, 1-based): chr6:75,156,473, T>C on the plus strand (A>G on the coding strand, the complement: COL12A1 is on the minus strand). VCF-style: chr6-75156473-T-C. GRCh37 (hg19) VCF-style: chr6-75866189-T-C.
Other names: c.74-3991A>G (NM_080645.3); short protein forms M1012V.
Identifiers: ClinVar variation 542489 (VCV000542489.9), dbSNP rs1188543260, ClinGen allele CA364754682.
Genomic context (GRCh38, chr6:75,156,473, plus strand): 5'-GGCGATAGACAACACGGTAGTTGACGACTTTCCCTGGTGCTGGTTTCCATGTAACTCTCA[T>C]TGTGTTTTCTGTTTCTTCATCTACTTTCAGGGTTTTGGAATCTTGAGATACTGGGAGATA-3'
Protein context (NP_004361.3, residues 1002-1022): LKVDEETENT[Met1012Val]RVTWKPAPGK